The following is an entry in ClinVar:

NM_000193.4(SHH):c.976C>T (p.Arg326Trp)

Gene: SHH (sonic hedgehog signaling molecule; minus strand). Cytogenetic location: 7q36.3.
Variant type: single nucleotide variant.
Coding change: c.976C>T on transcript NM_000193.4 (MANE Select); coding-DNA position 976, C replaced by T.
Protein change: p.Arg326Trp; replaces arginine 326 with tryptophan.
Molecular consequence: missense variant. On other transcripts: intron variant (1).
Genome position (GRCh38, 1-based): chr7:155,803,313, G>A on the plus strand (C>T on the coding strand, the complement: SHH is on the minus strand). VCF-style: chr7-155803313-G-A. GRCh37 (hg19) VCF-style: chr7-155596007-G-A.
Other names: c.301+2983C>T (NM_001310462.2); short protein forms R326W.
Identifiers: ClinVar variation 3667871 (VCV003667871.2).

ClinVar aggregate classification (germline): Uncertain significance (1 of 4 stars; one submission).

Conditions:
Holoprosencephaly 3 (HPE3). Identifiers: Orphanet 2162, MedGen C1840529, MONDO:0007733, OMIM 142945.

Submission:

Labcorp Genetics (formerly Invitae), Labcorp
Classification: Uncertain significance for Holoprosencephaly 3. Last evaluated: 2024-06-02. Review status: criteria provided, single submitter. Criteria: Invitae Variant Classification Sherloc (09022015). Collection method: clinical testing. Allele origin: germline.
Comment: This sequence change replaces arginine, which is basic and polar, with tryptophan, which is neutral and slightly polar, at codon 326 of the SHH protein (p.Arg326Trp). This variant is not present in population databases (gnomAD no frequency). This variant has not been reported in the literature in individuals affected with SHH-related conditions. Advanced modeling of protein sequence and biophysical properties (such as structural, functional, and spatial information, amino acid conservation, physicochemical variation, residue mobility, and thermodynamic stability) performed at Invitae indicates that this missense variant is not expected to disrupt SHH protein function with a negative predictive value of 80%. In summary, the available evidence is currently insufficient to determine the role of this variant in disease. Therefore, it has been classified as a Variant of Uncertain Significance.